The following is an entry in ClinVar:

NC_000017.11:g.(?_68512379)_(68524087_?)del

Gene: PRKAR1A (protein kinase cAMP-dependent type I regulatory subunit alpha; plus strand). Cytogenetic location: 17q24.2.
Variant type: Deletion.
Identifiers: ClinVar variation 832947 (VCV000832947.3).

ClinVar aggregate classification (germline): Pathogenic (1 of 4 stars; one submission).

Conditions:
Carney complex, type 1 (CNC1). Also called: CARNEY MYXOMA-ENDOCRINE COMPLEX; CARNEY COMPLEX, TYPE I. Identifiers: Orphanet 1359, MedGen C2607929, MONDO:0008057, OMIM 160980.

Submission:

Labcorp Genetics (formerly Invitae), Labcorp
Classification: Pathogenic for Carney complex, type 1. Last evaluated: 2019-11-28. Review status: criteria provided, single submitter. Criteria: Invitae Variant Classification Sherloc (09022015). Collection method: clinical testing. Allele origin: germline.
Comment: For these reasons, this variant has been classified as Pathogenic. Loss-of-function variants in PRKAR1A are known to be pathogenic (PMID: 11115848, 19293268). This variant has not been reported in the literature in individuals with PRKAR1A-related conditions. This variant is a gross deletion of the genomic region encompassing exons 1 to 5 of the PRKAR1A gene, which includes the initiator codon. The 5' end of this event is unknown as it extends beyond the assayed region for this gene and therefore may encompass additional genes. The 3' boundary is likely confined to intron 5 of the PRKAR1A gene. This is expected to result in an absent or disrupted protein product.

Literature cited by the submitters: PubMed 11115848; PubMed 19293268.